The following is an entry in ClinVar:

ClinVar aggregate classification (germline): Uncertain significance (1 of 4 stars; one submission).

Submission:

Mayo Clinic Laboratories, Mayo Clinic
Classification: Uncertain significance. Last evaluated: 2024-04-26. Review status: criteria provided, single submitter. Criteria: ACMG Guidelines, 2015. Collection method: clinical testing. Allele origin: germline. Observed: 2 variant alleles.
Comment: PP3, PM2

NM_004621.6(TRPC6):c.911T>A (p.Leu304Gln)

Gene: TRPC6 (transient receptor potential cation channel subfamily C member 6; minus strand). Cytogenetic location: 11q22.1.
Variant type: single nucleotide variant.
Coding change: c.911T>A on transcript NM_004621.6 (MANE Select); coding-DNA position 911, T replaced by A.
Protein change: p.Leu304Gln; replaces leucine 304 with glutamine.
Molecular consequence: missense variant.
Genome position (GRCh38, 1-based): chr11:101,504,058, A>T on the plus strand (T>A on the coding strand, the complement: TRPC6 is on the minus strand). VCF-style: chr11-101504058-A-T. GRCh37 (hg19) VCF-style: chr11-101374789-A-T.
Other names: p.Leu304Gln; short protein forms L304Q.
Identifiers: ClinVar variation 3380049 (VCV003380049.1).